The following is an entry in ClinVar:

ClinVar aggregate classification (germline): Uncertain significance (1 of 4 stars; one submission).

Conditions:
Cardiovascular phenotype. Identifiers: MedGen CN230736.

gnomAD v4.1: 1 of 1,614,120 alleles (0.000062%); highest among the groups gnomAD compares: Admixed American, 0.0017%; no homozygotes.

Submission:

Ambry Genetics
Classification: Uncertain significance for Cardiovascular phenotype. Last evaluated: 2025-06-01. Review status: criteria provided, single submitter. Criteria: Ambry Variant Classification Scheme 2023. Collection method: clinical testing. Allele origin: germline.
Comment: The p.T1703I variant (also known as c.5108C>T), located in coding exon 27 of the SCN10A gene, results from a C to T substitution at nucleotide position 5108. The threonine at codon 1703 is replaced by isoleucine, an amino acid with similar properties. This amino acid position is conserved. In addition, the in silico prediction for this alteration is inconclusive. Based on the available evidence, the clinical significance of this variant remains unclear.

NM_006514.4(SCN10A):c.5108C>T (p.Thr1703Ile)

Gene: SCN10A (sodium voltage-gated channel alpha subunit 10; minus strand). Cytogenetic location: 3p22.2.
Variant type: single nucleotide variant.
Coding change: c.5108C>T on transcript NM_006514.4 (MANE Select); coding-DNA position 5108, C replaced by T.
Protein change: p.Thr1703Ile; replaces threonine 1703 with isoleucine.
Molecular consequence: missense variant.
Genome position (GRCh38, 1-based): chr3:38,698,112, G>A on the plus strand (C>T on the coding strand, the complement: SCN10A is on the minus strand). VCF-style: chr3-38698112-G-A. GRCh37 (hg19) VCF-style: chr3-38739603-G-A.
Other names: c.5105C>T, p.Thr1702Ile (NM_001293306.2); c.4814C>T, p.Thr1605Ile (NM_001293307.2); short protein forms T1702I, T1703I, T1605I.
Identifiers: ClinVar variation 3950890 (VCV003950890.1).